The following is an entry in ClinVar:

ClinVar aggregate classification (germline): Uncertain significance (1 of 4 stars; one submission).

Submission:

Ambry Genetics
Classification: Uncertain significance. Last evaluated: 2025-09-16. Review status: criteria provided, single submitter. Criteria: Ambry Variant Classification Scheme 2023. Collection method: clinical testing. Allele origin: germline.
Comment: The p.R88K variant (also known as c.263G>A), located in coding exon 1 of the MLH3 gene, results from a G to A substitution at nucleotide position 263. The arginine at codon 88 is replaced by lysine, an amino acid with highly similar properties. This amino acid position is conserved. In addition, this alteration is predicted to be tolerated by in silico analysis. Based on the available evidence, the clinical significance of this variant remains unclear.

NM_001040108.2(MLH3):c.263G>A (p.Arg88Lys)

Gene: MLH3 (mutL homolog 3; minus strand). Cytogenetic location: 14q24.3.
Variant type: single nucleotide variant.
Coding change: c.263G>A on transcript NM_001040108.2 (MANE Select); coding-DNA position 263, G replaced by A.
Protein change: p.Arg88Lys; replaces arginine 88 with lysine.
Molecular consequence: missense variant.
Genome position (GRCh38, 1-based): chr14:75,049,393, C>T on the plus strand (G>A on the coding strand, the complement: MLH3 is on the minus strand). VCF-style: chr14-75049393-C-T. GRCh37 (hg19) VCF-style: chr14-75516096-C-T.
Other names: c.263G>A, p.Arg88Lys (NM_014381.3); short protein forms R88K.
Identifiers: ClinVar variation 4552061 (VCV004552061.1).